The following is an entry in ClinVar:

NM_024422.6(DSC2):c.2627A>T (p.Gln876Leu)

Gene: DSC2 (desmocollin 2; minus strand). Cytogenetic location: 18q12.1.
Variant type: single nucleotide variant.
Coding change: c.2627A>T on transcript NM_024422.6 (MANE Select); coding-DNA position 2627, A replaced by T.
Protein change: p.Gln876Leu; replaces glutamine 876 with leucine.
Molecular consequence: missense variant. On other transcripts: 3 prime UTR variant (1).
Genome position (GRCh38, 1-based): chr18:31,068,094, T>A on the plus strand (A>T on the coding strand, the complement: DSC2 is on the minus strand). VCF-style: chr18-31068094-T-A. GRCh37 (hg19) VCF-style: chr18-28648060-T-A.
Other names: c.*129A>T (NM_004949.5); c.2627A>T (NM_024422.3); short protein forms Q876L.
Identifiers: ClinVar variation 1038106 (VCV001038106.9), dbSNP rs1004351611, ClinGen allele CA297685298.

ClinVar aggregate classification (germline): Uncertain significance. Review status: criteria provided, multiple submitters, no conflicts (2 of 4 stars). 2 submissions from 2 submitters: Uncertain significance (2). Last evaluated 2024-06-03.

Conditions:
Arrhythmogenic right ventricular dysplasia 11. Also called: Arrhythmogenic Right Ventricular Dysplasia/Cardiomyopathy11; ARRHYTHMOGENIC RIGHT VENTRICULAR DYSPLASIA, FAMILIAL, 11; Arrhythmogenic right ventricular dysplasia 11 with mild palmoplantar keratoderma and woolly hair. Identifiers: MedGen C1864850, MONDO:0012506, OMIM 610476.
Cardiovascular phenotype. Identifiers: MedGen CN230736.

Allele frequency attached by ClinVar (database versions not stated): TOPMed 0.00001.
gnomAD v4.1: 2 of 1,614,066 alleles (0.00012%); highest among the groups gnomAD compares: Admixed American, 0.0033%; no homozygotes.

Submissions (2):

Labcorp Genetics (formerly Invitae), Labcorp
Classification: Uncertain significance for Arrhythmogenic right ventricular dysplasia 11. Last evaluated: 2024-06-03. Review status: criteria provided, single submitter. Criteria: Invitae Variant Classification Sherloc (09022015). Collection method: clinical testing. Allele origin: germline.
Comment: This sequence change replaces glutamine, which is neutral and polar, with leucine, which is neutral and non-polar, at codon 876 of the DSC2 protein (p.Gln876Leu). This variant is not present in population databases (gnomAD no frequency). This variant has not been reported in the literature in individuals affected with DSC2-related conditions. ClinVar contains an entry for this variant (Variation ID: 1038106). An algorithm developed to predict the effect of missense changes on protein structure and function (PolyPhen-2) suggests that this variant is likely to be disruptive. In summary, the available evidence is currently insufficient to determine the role of this variant in disease. Therefore, it has been classified as a Variant of Uncertain Significance.

Ambry Genetics
Classification: Uncertain significance for Cardiovascular phenotype. Last evaluated: 2024-03-27. Review status: criteria provided, single submitter. Criteria: Ambry Variant Classification Scheme 2023. Collection method: clinical testing. Allele origin: germline.
Comment: The p.Q876L variant (also known as c.2627A>T), located in coding exon 16 of the DSC2 gene, results from an A to T substitution at nucleotide position 2627. The glutamine at codon 876 is replaced by leucine, an amino acid with dissimilar properties. This amino acid position is conserved. In addition, this alteration is predicted to be tolerated by in silico analysis. Based on the available evidence, the clinical significance of this alteration remains unclear.